The following is an entry in ClinVar:

NM_005188.4(CBL):c.2471C>T (p.Pro824Leu)

Gene: CBL (Cbl proto-oncogene; plus strand). Cytogenetic location: 11q23.3.
Variant type: single nucleotide variant.
Coding change: c.2471C>T on transcript NM_005188.4 (MANE Select); coding-DNA position 2471, C replaced by T.
Protein change: p.Pro824Leu; replaces proline 824 with leucine.
Molecular consequence: missense variant.
Genome position (GRCh38, 1-based): chr11:119,299,531, C>T. VCF-style: chr11-119299531-C-T. GRCh37 (hg19) VCF-style: chr11-119170241-C-T.
Other names: c.2471C>T (NM_005188.2); short protein forms P824L.
Identifiers: ClinVar variation 1339763 (VCV001339763.8), dbSNP rs2135322034, ClinGen allele CA382932056.

ClinVar aggregate classification (germline): Uncertain significance. Review status: criteria provided, multiple submitters, no conflicts (2 of 4 stars). 3 submissions from 3 submitters: Uncertain significance (3). Last evaluated 2023-12-31.

Conditions:
Cardiovascular phenotype. Identifiers: MedGen CN230736.
RASopathy. Also called: rasopathies; Noonan spectrum disorder. Identifiers: Orphanet 536391, MedGen C5555857, MONDO:0021060.

Allele frequency attached by ClinVar (database versions not stated): gnomAD exomes below 0.00001.
gnomAD v4.1: 2 of 1,614,114 alleles (0.00012%); highest among the groups gnomAD compares: Non-Finnish European, 0.00017%; no homozygotes.

Submissions (3):

Ambry Genetics
Classification: Uncertain significance for Cardiovascular phenotype. Last evaluated: 2023-12-31. Review status: criteria provided, single submitter. Criteria: Ambry Variant Classification Scheme 2023. Collection method: clinical testing. Allele origin: germline.
Comment: The p.P824L variant (also known as c.2471C>T), located in coding exon 16 of the CBL gene, results from a C to T substitution at nucleotide position 2471. The proline at codon 824 is replaced by leucine, an amino acid with similar properties. This amino acid position is conserved. In addition, this alteration is predicted to be deleterious by in silico analysis. Since supporting evidence is limited at this time, the clinical significance of this alteration remains unclear.

Labcorp Genetics (formerly Invitae), Labcorp
Classification: Uncertain significance for RASopathy. Last evaluated: 2022-11-22. Review status: criteria provided, single submitter. Criteria: Invitae Variant Classification Sherloc (09022015). Collection method: clinical testing. Allele origin: germline.
Comment: This sequence change replaces proline, which is neutral and non-polar, with leucine, which is neutral and non-polar, at codon 824 of the CBL protein (p.Pro824Leu). This variant is not present in population databases (gnomAD no frequency). In summary, the available evidence is currently insufficient to determine the role of this variant in disease. Therefore, it has been classified as a Variant of Uncertain Significance. Advanced modeling of protein sequence and biophysical properties (such as structural, functional, and spatial information, amino acid conservation, physicochemical variation, residue mobility, and thermodynamic stability) performed at Invitae indicates that this missense variant is not expected to disrupt CBL protein function. ClinVar contains an entry for this variant (Variation ID: 1339763). This variant has not been reported in the literature in individuals affected with CBL-related conditions.

Women's Health and Genetics/Laboratory Corporation of America, LabCorp
Classification: Uncertain significance. Last evaluated: 2022-01-06. Review status: criteria provided, single submitter. Criteria: LabCorp Variant Classification Summary - May 2015. Collection method: clinical testing. Allele origin: germline.
Comment: Variant summary: CBL c.2471C>T (p.Pro824Leu) results in a non-conservative amino acid change in the last exon of the encoded protein sequence. Five of five in-silico tools predict a damaging effect of the variant on protein function. The variant was absent in 251430 control chromosomes (gnomAD). The available data on variant occurrences in the general population are insufficient to allow any conclusion about variant significance. To our knowledge, no occurrence of c.2471C>T in individuals affected with Noonan Syndrome And Related Conditions and no experimental evidence demonstrating its impact on protein function have been reported. No clinical diagnostic laboratories have submitted clinical-significance assessments for this variant to ClinVar after 2014. Based on the evidence outlined above, the variant was classified as uncertain significance.